The following is an entry in ClinVar:

ClinVar aggregate classification (germline): Uncertain significance (1 of 4 stars; one submission).

gnomAD v4.1: 7 of 1,599,500 alleles (0.00044%); highest among the groups gnomAD compares: Admixed American, 0.0017%; no homozygotes.

Submission:

Labcorp Genetics (formerly Invitae), Labcorp
Classification: Uncertain significance. Last evaluated: 2024-04-13. Review status: criteria provided, single submitter. Criteria: Invitae Variant Classification Sherloc (09022015). Collection method: clinical testing. Allele origin: germline.
Comment: This sequence change replaces aspartic acid, which is acidic and polar, with glycine, which is neutral and non-polar, at codon 83 of the KLF10 protein (p.Asp83Gly). This variant is not present in population databases (gnomAD no frequency). This variant has not been reported in the literature in individuals affected with KLF10-related conditions. An algorithm developed to predict the effect of missense changes on protein structure and function (PolyPhen-2) suggests that this variant is likely to be disruptive. In summary, the available evidence is currently insufficient to determine the role of this variant in disease. Therefore, it has been classified as a Variant of Uncertain Significance.

NM_005655.4(KLF10):c.248A>G (p.Asp83Gly)

Gene: KLF10 (KLF transcription factor 10; minus strand). Cytogenetic location: 8q22.3.
Variant type: single nucleotide variant.
Coding change: c.248A>G on transcript NM_005655.4 (MANE Select); coding-DNA position 248, A replaced by G.
Protein change: p.Asp83Gly; replaces aspartic acid 83 with glycine.
Molecular consequence: missense variant. On other transcripts: non-coding transcript variant (2).
Genome position (GRCh38, 1-based): chr8:102,652,186, T>C on the plus strand (A>G on the coding strand, the complement: KLF10 is on the minus strand). VCF-style: chr8-102652186-T-C. GRCh37 (hg19) VCF-style: chr8-103664414-T-C.
Other names: c.215A>G, p.Asp72Gly (NM_001032282.4); short protein forms D72G, D83G.
Identifiers: ClinVar variation 3624110 (VCV003624110.2).
Genomic context (GRCh38, chr8:102,652,186, plus strand): 5'-ATATAATTTACGTCTATCTTAAAAACAATAATACTTACAAATGCTGGGATTGTATGAAAA[T>C]CAGGTGTTCCCGGAAGCAGATTCTCTTCCTCTGACAAATCAGATACTGGTGTAACAGGTC-3'
Protein context (NP_005646.1, residues 73-93): EEENLLPGTP[Asp83Gly]FHTIPAFCLT